The following is an entry in ClinVar:

NM_001395460.1(TENM2):c.4338C>A (p.Val1446=)

Gene: TENM2 (teneurin transmembrane protein 2; plus strand). Cytogenetic location: 5q34.
Variant type: single nucleotide variant.
Coding change: c.4338C>A on transcript NM_001395460.1 (MANE Select); coding-DNA position 4338, C replaced by A.
Protein change: p.Val1446=; no amino-acid change (valine 1446 retained).
Molecular consequence: synonymous variant.
Genome position (GRCh38, 1-based): chr5:168,218,229, C>A. VCF-style: chr5-168218229-C-A. GRCh37 (hg19) VCF-style: chr5-167645234-C-A.
Other names: NC_000005.9:g.167645234C>A; c.3621C>A, p.Val1207= (NM_001080428.3); c.4311C>A, p.Val1437= (NM_001122679.2); c.3861C>A, p.Val1287= (NM_001368145.1); c.3855C>A, p.Val1285= (NM_001368146.1).
Identifiers: ClinVar variation 2656029 (VCV002656029.25), dbSNP rs185690268, ClinGen allele CA3547516.

ClinVar aggregate classification (germline): Likely benign (1 of 4 stars; one submission).

Allele frequency attached by ClinVar (database versions not stated): 1000 Genomes Project 30x 0.00016; 1000 Genomes Project 0.00020; TOPMed 0.00049; gnomAD 0.00063; ExAC 0.00082; ESP Exome Variant Server 0.00093; gnomAD exomes 0.00097.
gnomAD v4.1: 1,480 of 1,613,832 alleles (0.092%); highest among the groups gnomAD compares: Non-Finnish European, 0.12%; 1 homozygote.

Submissions (3):

CeGaT Center for Human Genetics Tuebingen
Classification: Likely benign. Last evaluated: 2023-02-01. Review status: criteria provided, single submitter. Criteria: CeGaT Center For Human Genetics Tuebingen Variant Classification Criteria Version 2. Collection method: clinical testing. Allele origin: germline. Affected: yes. Observed: 2 variant alleles.
Comment: TENM2: BP4, BP7

Dr. Peter K. Rogan Lab, Western University
No classification provided (evidence only). Condition: Clear cell carcinoma of kidney. Review status: no classification provided. Collection method: in vitro. Allele origin: not applicable. Functional consequence: retained intron. Not counted in ClinVar's aggregate classification.

Dr. Peter K. Rogan Lab, Western University
No classification provided (evidence only). Condition: Gastric cancer. Review status: no classification provided. Collection method: in vitro. Allele origin: not applicable. Functional consequence: retained intron. Not counted in ClinVar's aggregate classification.